The following is an entry in ClinVar:

NM_003072.5(SMARCA4):c.3151A>G (p.Met1051Val)

Gene: SMARCA4 (SWI/SNF related BAF chromatin remodeling complex subunit ATPase 4; plus strand). Cytogenetic location: 19p13.2.
Variant type: single nucleotide variant.
Coding change: c.3151A>G on transcript NM_003072.5 (MANE Select); coding-DNA position 3151, A replaced by G.
Protein change: p.Met1051Val; replaces methionine 1051 with valine.
Molecular consequence: missense variant. On other transcripts: non-coding transcript variant (1).
Genome position (GRCh38, 1-based): chr19:11,025,491, A>G. VCF-style: chr19-11025491-A-G. GRCh37 (hg19) VCF-style: chr19-11136167-A-G.
Other names: c.3151A>G (NM_001128849.1); c.3151A>G, p.Met1051Val (NM_001128844.3, NM_001128845.2, NM_001128846.2 and 5 more transcripts); short protein forms M1051V.
Identifiers: ClinVar variation 1417941 (VCV001417941.10), dbSNP rs2146498393, ClinGen allele CA404059287.

ClinVar aggregate classification (germline): Uncertain significance. Review status: criteria provided, multiple submitters, no conflicts (2 of 4 stars). 3 submissions from 3 submitters: Uncertain significance (3). Last evaluated 2025-02-25.

Conditions:
Rhabdoid tumor predisposition syndrome 2 (RTPS2). Identifiers: Orphanet 231108, Orphanet 69077, MedGen C2750074, MONDO:0013224, OMIM 613325.
Hereditary cancer-predisposing syndrome. Also called: Hereditary Cancer Syndrome; Tumor predisposition; Hereditary neoplastic syndrome; Neoplastic Syndromes, Hereditary. Identifiers: Orphanet 140162, MedGen C0027672, MeSH D009386, MONDO:0015356.

Submissions (3):

Labcorp Genetics (formerly Invitae), Labcorp
Classification: Uncertain significance for Rhabdoid tumor predisposition syndrome 2. Last evaluated: 2025-02-25. Review status: criteria provided, single submitter. Criteria: Invitae Variant Classification Sherloc (09022015). Collection method: clinical testing. Allele origin: germline.
Comment: This sequence change replaces methionine, which is neutral and non-polar, with valine, which is neutral and non-polar, at codon 1051 of the SMARCA4 protein (p.Met1051Val). This variant is not present in population databases (gnomAD no frequency). This variant has not been reported in the literature in individuals affected with SMARCA4-related conditions. ClinVar contains an entry for this variant (Variation ID: 1417941). Invitae Evidence Modeling of protein sequence and biophysical properties (such as structural, functional, and spatial information, amino acid conservation, physicochemical variation, residue mobility, and thermodynamic stability) indicates that this missense variant is expected to disrupt SMARCA4 protein function with a positive predictive value of 80%. In summary, the available evidence is currently insufficient to determine the role of this variant in disease. Therefore, it has been classified as a Variant of Uncertain Significance.

Laboratory of Genetics, Children's Clinical University Hospital Latvia
Classification: Uncertain significance. Last evaluated: 2025-02-16. Review status: criteria provided, single submitter. Criteria: ACMG Guidelines, 2015. Collection method: clinical testing. Allele origin: germline. Affected: yes.

Ambry Genetics
Classification: Uncertain significance for Hereditary cancer-predisposing syndrome. Last evaluated: 2024-05-08. Review status: criteria provided, single submitter. Criteria: Ambry Variant Classification Scheme 2023. Collection method: clinical testing. Allele origin: germline.
Comment: The p.M1051V variant (also known as c.3151A>G), located in coding exon 21 of the SMARCA4 gene, results from an A to G substitution at nucleotide position 3151. The methionine at codon 1051 is replaced by valine, an amino acid with highly similar properties. This amino acid position is conserved. In addition, this alteration is predicted to be deleterious by in silico analysis. Based on the available evidence, the clinical significance of this variant remains unclear.